The following is an entry in ClinVar:

ClinVar aggregate classification (germline): Uncertain significance (1 of 4 stars; one submission).

gnomAD v4.1: 2 of 1,552,340 alleles (0.00013%); highest among the groups gnomAD compares: Admixed American, 0.0021%; no homozygotes.

Submission:

Labcorp Genetics (formerly Invitae), Labcorp
Classification: Uncertain significance. Last evaluated: 2024-03-15. Review status: criteria provided, single submitter. Criteria: Invitae Variant Classification Sherloc (09022015). Collection method: clinical testing. Allele origin: germline.
Comment: This sequence change replaces proline, which is neutral and non-polar, with leucine, which is neutral and non-polar, at codon 244 of the KIF23 protein (p.Pro244Leu). This variant is not present in population databases (gnomAD no frequency). This variant has not been reported in the literature in individuals affected with KIF23-related conditions. An algorithm developed to predict the effect of missense changes on protein structure and function (PolyPhen-2) suggests that this variant is likely to be tolerated. In summary, the available evidence is currently insufficient to determine the role of this variant in disease. Therefore, it has been classified as a Variant of Uncertain Significance.

NM_001367805.3(KIF23):c.731C>T (p.Pro244Leu)

Gene: KIF23 (kinesin family member 23; plus strand). Cytogenetic location: 15q23.
Variant type: single nucleotide variant.
Coding change: c.731C>T on transcript NM_001367805.3 (MANE Select); coding-DNA position 731, C replaced by T.
Protein change: p.Pro244Leu; replaces proline 244 with leucine.
Molecular consequence: missense variant. On other transcripts: non-coding transcript variant (2).
Genome position (GRCh38, 1-based): chr15:69,423,326, C>T. VCF-style: chr15-69423326-C-T. GRCh37 (hg19) VCF-style: chr15-69715665-C-T.
Other names: c.401C>T, p.Pro134Leu (NM_001281301.2); c.731C>T, p.Pro244Leu (NM_001367804.2, NM_004856.7, NM_138555.4); short protein forms P134L, P244L.
Identifiers: ClinVar variation 3694676 (VCV003694676.2).